The following is an entry in ClinVar:

ClinVar aggregate classification (germline): Uncertain significance. Review status: criteria provided, multiple submitters, no conflicts (2 of 4 stars). 3 submissions from 3 submitters: Uncertain significance (3). Last evaluated 2026-03-04.

Conditions:
COL4A4-related disorder.
Inborn genetic diseases. Identifiers: MedGen C0950123, MeSH D030342.

Allele frequency attached by ClinVar (database versions not stated): gnomAD exomes below 0.00001; gnomAD 0.00002; TOPMed 0.00002.
gnomAD v4.1: 4 of 1,613,834 alleles (0.00025%); highest among the groups gnomAD compares: African/African-American, 0.0053%; no homozygotes.

Submissions (3):

PreventionGenetics, part of Exact Sciences
Classification: Uncertain significance for COL4A4-related condition. Last evaluated: 2026-03-04. Review status: criteria provided, single submitter. Criteria: ACMG Guidelines, 2015. Collection method: clinical testing. Allele origin: germline.
Comment: The COL4A4 c.4051C>G variant is predicted to result in the amino acid substitution p.Pro1351Ala. To our knowledge, this variant has not been reported in the literature or in a large population database (gnomAD), indicating this variant is rare. At this time, the clinical significance of this variant is uncertain due to the absence of conclusive functional and genetic evidence.

Labcorp Genetics (formerly Invitae), Labcorp
Classification: Uncertain significance. Last evaluated: 2025-06-12. Review status: criteria provided, single submitter. Criteria: Invitae Variant Classification Sherloc (09022015). Collection method: clinical testing. Allele origin: germline.
Comment: This sequence change replaces proline, which is neutral and non-polar, with alanine, which is neutral and non-polar, at codon 1351 of the COL4A4 protein (p.Pro1351Ala). This variant is not present in population databases (gnomAD no frequency). This variant has not been reported in the literature in individuals affected with COL4A4-related conditions. ClinVar contains an entry for this variant (Variation ID: 2896541). Invitae Evidence Modeling of protein sequence and biophysical properties (such as structural, functional, and spatial information, amino acid conservation, physicochemical variation, residue mobility, and thermodynamic stability) indicates that this missense variant is not expected to disrupt COL4A4 protein function with a negative predictive value of 95%. In summary, the available evidence is currently insufficient to determine the role of this variant in disease. Therefore, it has been classified as a Variant of Uncertain Significance.

Ambry Genetics
Classification: Uncertain significance for Inborn genetic diseases. Last evaluated: 2025-05-03. Review status: criteria provided, single submitter. Criteria: Ambry Variant Classification Scheme 2023. Collection method: clinical testing. Allele origin: germline.

NM_000092.5(COL4A4):c.4051C>G (p.Pro1351Ala)

Gene: COL4A4 (collagen type IV alpha 4 chain; minus strand). Cytogenetic location: 2q36.3.
Variant type: single nucleotide variant.
Coding change: c.4051C>G on transcript NM_000092.5 (MANE Select); coding-DNA position 4051, C replaced by G.
Protein change: p.Pro1351Ala; replaces proline 1351 with alanine.
Molecular consequence: missense variant.
Genome position (GRCh38, 1-based): chr2:227,027,932, G>C on the plus strand (C>G on the coding strand, the complement: COL4A4 is on the minus strand). VCF-style: chr2-227027932-G-C. GRCh37 (hg19) VCF-style: chr2-227892648-G-C.
Other names: short protein forms P1351A.
Identifiers: ClinVar variation 2896541 (VCV002896541.5), dbSNP rs895648453, ClinGen allele CA66557690.